The following is an entry in ClinVar:

NM_001458.5(FLNC):c.4142G>A (p.Gly1381Glu)

Gene: FLNC (filamin C; plus strand). Cytogenetic location: 7q32.1.
Variant type: single nucleotide variant.
Coding change: c.4142G>A on transcript NM_001458.5 (MANE Select); coding-DNA position 4142, G replaced by A.
Protein change: p.Gly1381Glu; replaces glycine 1381 with glutamic acid.
Molecular consequence: missense variant.
Genome position (GRCh38, 1-based): chr7:128,846,759, G>A. VCF-style: chr7-128846759-G-A. GRCh37 (hg19) VCF-style: chr7-128486813-G-A.
Other names: c.4142G>A, p.Gly1381Glu (NM_001127487.2); short protein forms G1381E.
Identifiers: ClinVar variation 1425393 (VCV001425393.8), dbSNP rs2128937018, ClinGen allele CA369200375.

ClinVar aggregate classification (germline): Uncertain significance (1 of 4 stars; one submission).

Conditions:
Myofibrillar myopathy 5. Also called: FILAMINOPATHY, AUTOSOMAL DOMINANT; Filaminopathy (type). Identifiers: Orphanet 171445, MedGen C1836050, MONDO:0012289, OMIM 609524.
Distal myopathy with posterior leg and anterior hand involvement. Also called: WILLIAMS DISTAL MYOPATHY. Identifiers: Orphanet 63273, MedGen C3279722, MONDO:0013550, OMIM 614065.
Hypertrophic cardiomyopathy 26. Also called: Cardiomyopathy, familial hypertrophic, 26. Identifiers: Orphanet 75249, MedGen C4310749, MONDO:0014883, OMIM 617047.

Allele frequency attached by ClinVar (database versions not stated): gnomAD exomes below 0.00001.
gnomAD v4.1: 2 of 1,614,056 alleles (0.00012%); highest among the groups gnomAD compares: Non-Finnish European, 0.000085%; no homozygotes.

Submission:

Labcorp Genetics (formerly Invitae), Labcorp
Classification: Uncertain significance for Distal myopathy with posterior leg and anterior hand involvement; Myofibrillar myopathy 5; Hypertrophic cardiomyopathy 26. Last evaluated: 2020-11-24. Review status: criteria provided, single submitter. Criteria: Invitae Variant Classification Sherloc (09022015). Collection method: clinical testing. Allele origin: germline.
Comment: In summary, the available evidence is currently insufficient to determine the role of this variant in disease. Therefore, it has been classified as a Variant of Uncertain Significance. Algorithms developed to predict the effect of missense changes on protein structure and function are either unavailable or do not agree on the potential impact of this missense change (SIFT: "Deleterious"; PolyPhen-2: "Probably Damaging"; Align-GVGD: "Class C0"). This variant has not been reported in the literature in individuals with FLNC-related conditions. This variant is not present in population databases (ExAC no frequency). This sequence change replaces glycine with glutamic acid at codon 1381 of the FLNC protein (p.Gly1381Glu). The glycine residue is highly conserved and there is a moderate physicochemical difference between glycine and glutamic acid.